The following is an entry in ClinVar:

NM_000535.7(PMS2):c.2034C>T (p.Ile678=)

Gene: PMS2 (PMS1 homolog 2, mismatch repair system component; minus strand). Cytogenetic location: 7p22.1.
Variant type: single nucleotide variant.
Coding change: c.2034C>T on transcript NM_000535.7 (MANE Select); coding-DNA position 2034, C replaced by T.
Protein change: p.Ile678=; no amino-acid change (isoleucine 678 retained).
Molecular consequence: synonymous variant. On other transcripts: non-coding transcript variant (1).
Genome position (GRCh38, 1-based): chr7:5,982,964, G>A on the plus strand (C>T on the coding strand, the complement: PMS2 is on the minus strand). VCF-style: chr7-5982964-G-A. GRCh37 (hg19) VCF-style: chr7-6022595-G-A.
Other names: c.1629C>T, p.Ile543= (NM_001322003.2, NM_001322004.2, NM_001322005.2 and 1 more transcripts); c.1878C>T, p.Ile626= (NM_001322006.2); c.1716C>T, p.Ile572= (NM_001322007.2, NM_001322008.2); c.1473C>T, p.Ile491= (NM_001322010.2); c.1101C>T, p.Ile367= (NM_001322011.2, NM_001322012.2); c.1461C>T, p.Ile487= (NM_001322013.2); c.2034C>T, p.Ile678= (NM_001322014.2); c.1725C>T, p.Ile575= (NM_001322015.2).
Identifiers: ClinVar variation 1316998 (VCV001316998.2), dbSNP rs2128704468, ClinGen allele CA453643570.
Genomic context (GRCh38, chr7:5,982,964, plus strand): 5'-CACTATGAAGATATCCTCATTCAGTTTGGTTATTATAAATCCCAGGTTAAACTGACCAAT[G>A]ATTTCCATTTCTGCAAACATCGTTTTACTGCAGGTAGAAAATGTTAATTATCAGACATTT-3'
Protein context (NP_000526.2, residues 668-688): ISKTMFAEME[Ile678=]IGQFNLGFII

ClinVar aggregate classification (germline): Uncertain significance (1 of 4 stars; one submission).

Submission:

GeneDx
Classification: Uncertain significance. Last evaluated: 2020-04-15. Review status: criteria provided, single submitter. Criteria: GeneDx Variant Classification Process June 2021. Collection method: clinical testing. Allele origin: germline. Affected: yes.
Comment: Not observed in large population cohorts (Lek 2016); In silico analysis supports that this variant does not alter splicing; Has not been previously published as pathogenic or benign to our knowledge